The following is an entry in ClinVar:

ClinVar aggregate classification (germline): Likely benign (1 of 4 stars; one submission).

Allele frequency attached by ClinVar (database versions not stated): gnomAD exomes below 0.00001 and 0.00001; ESP Exome Variant Server 0.00008.

Submission:

GeneDx
Classification: Likely benign. Last evaluated: 2018-02-01. Review status: criteria provided, single submitter. Criteria: GeneDx Variant Classification (06012015). Collection method: clinical testing. Allele origin: germline. Affected: yes.
Comment: This variant is considered likely benign or benign based on one or more of the following criteria: it is a conservative change, it occurs at a poorly conserved position in the protein, it is predicted to be benign by multiple in silico algorithms, and/or has population frequency not consistent with disease.

NM_001267550.2(TTN):c.26600G>A (p.Gly8867Glu)

Gene: TTN (titin; minus strand). Cytogenetic location: 2q31.2.
Variant type: single nucleotide variant.
Coding change: c.26600G>A on transcript NM_001267550.2 (MANE Select); coding-DNA position 26600, G replaced by A.
Protein change: p.Gly8867Glu; replaces glycine 8867 with glutamic acid.
Molecular consequence: missense variant. On other transcripts: intron variant (3).
Genome position (GRCh38, 1-based): chr2:178,714,058, C>T on the plus strand (G>A on the coding strand, the complement: TTN is on the minus strand). VCF-style: chr2-178714058-C-T. GRCh37 (hg19) VCF-style: chr2-179578785-C-T.
Other names: c.25649G>A, p.Gly8550Glu (NM_001256850.1); c.22868G>A, p.Gly7623Glu (NM_133378.4); c.13282+24024G>A (NM_003319.4); c.13858+24024G>A (NM_133437.4); c.13657+24024G>A (NM_133432.3); short protein forms G8550E, G8867E, G7623E.
Identifiers: ClinVar variation 517086 (VCV000517086.1), dbSNP rs369142169, ClinGen allele CA60967859.